The following is an entry in ClinVar:

NM_015602.4(TOR1AIP1):c.452T>C (p.Leu151Pro)

Genes: TOR1AIP1 (torsin 1A interacting protein 1; plus strand), LOC112577517 (Sharpr-MPRA regulatory region 13766; plus strand). Cytogenetic location: 1q25.2.
Variant type: single nucleotide variant.
Coding change: c.452T>C on transcript NM_015602.4 (MANE Select); coding-DNA position 452, T replaced by C.
Protein change: p.Leu151Pro; replaces leucine 151 with proline.
Molecular consequence: missense variant.
Genome position (GRCh38, 1-based): chr1:179,882,954, T>C. VCF-style: chr1-179882954-T-C. GRCh37 (hg19) VCF-style: chr1-179852089-T-C.
Other names: c.452T>C, p.Leu151Pro (NM_001267578.2); short protein forms L151P.
Identifiers: ClinVar variation 581557 (VCV000581557.8), dbSNP rs373049289, ClinGen allele CA1268758.

ClinVar aggregate classification (germline): Uncertain significance. Review status: criteria provided, multiple submitters, no conflicts (2 of 4 stars). 3 submissions from 3 submitters: Uncertain significance (3). Last evaluated 2024-12-17.

Conditions:
Autosomal recessive limb-girdle muscular dystrophy type 2Y (MRRSDC). Also called: Muscular dystrophy, limb-girdle, type 2y; Muscular dystrophy, autosomal recessive, with rigid spine and distal joint contractures. Identifiers: Orphanet 424261, MedGen C4511482, MONDO:0014900, OMIM 617072.

Allele frequency attached by ClinVar (database versions not stated): gnomAD exomes 0.00001 and 0.00004; ExAC 0.00003; TOPMed 0.00012; gnomAD 0.00013 and 0.00015; ESP Exome Variant Server 0.00023.
gnomAD v4.1: 37 of 1,613,040 alleles (0.0023%); highest among the groups gnomAD compares: African/African-American, 0.045%; no homozygotes.

Submissions (3):

GeneDx
Classification: Uncertain significance. Last evaluated: 2024-12-17. Review status: criteria provided, single submitter. Criteria: GeneDx Variant Classification Process June 2021. Collection method: clinical testing. Allele origin: germline. Affected: yes.
Comment: In silico analysis supports that this missense variant has a deleterious effect on protein structure/function; Has not been previously published as pathogenic or benign to our knowledge

Labcorp Genetics (formerly Invitae), Labcorp
Classification: Uncertain significance for Autosomal recessive limb-girdle muscular dystrophy type 2Y. Last evaluated: 2023-10-13. Review status: criteria provided, single submitter. Criteria: Invitae Variant Classification Sherloc (09022015). Collection method: clinical testing. Allele origin: germline.
Comment: This sequence change replaces leucine, which is neutral and non-polar, with proline, which is neutral and non-polar, at codon 151 of the TOR1AIP1 protein (p.Leu151Pro). The frequency data for this variant in the population databases is considered unreliable, as metrics indicate poor data quality at this position in the gnomAD database. This variant has not been reported in the literature in individuals affected with TOR1AIP1-related conditions. ClinVar contains an entry for this variant (Variation ID: 581557). Advanced modeling of protein sequence and biophysical properties (such as structural, functional, and spatial information, amino acid conservation, physicochemical variation, residue mobility, and thermodynamic stability) performed at Invitae indicates that this missense variant is not expected to disrupt TOR1AIP1 protein function. In summary, the available evidence is currently insufficient to determine the role of this variant in disease. Therefore, it has been classified as a Variant of Uncertain Significance.

Genome-Nilou Lab
Classification: Uncertain significance for Autosomal recessive limb-girdle muscular dystrophy type 2Y. Last evaluated: 2023-04-11. Review status: criteria provided, single submitter. Criteria: ACMG Guidelines, 2015. Collection method: clinical testing. Allele origin: germline. Affected: no.